The following is an entry in ClinVar:

ClinVar aggregate classification (germline): Uncertain significance. Review status: criteria provided, multiple submitters, no conflicts (2 of 4 stars). 2 submissions from 2 submitters: Uncertain significance (2). Last evaluated 2026-08-31.

Conditions:
Wilms tumor 1 (WT1). Also called: Wilms tumor, somatic. Identifiers: Orphanet 654, MedGen CN033288, MONDO:0008679, OMIM 194070.
Inborn genetic diseases. Identifiers: MedGen C0950123, MeSH D030342.

Submissions (2):

Ambry Genetics
Classification: Uncertain significance for Inborn genetic diseases. Last evaluated: 2026-08-31. Review status: criteria provided, single submitter. Criteria: Ambry Variant Classification Scheme 2023. Collection method: clinical testing. Allele origin: germline.
Comment: The p.P129Q variant (also known as c.386C>A), located in coding exon 1 of the WT1 gene, results from a C to A substitution at nucleotide position 386. The proline at codon 129 is replaced by glutamine, an amino acid with similar properties. This amino acid position is conserved. In addition, this alteration is predicted to be tolerated by in silico analysis. Based on the available evidence, the clinical significance of this variant remains unclear.

All of Us Research Program, National Institutes of Health
Classification: Uncertain significance for Wilms tumor 1. Last evaluated: 2023-12-18. Review status: criteria provided, single submitter. Criteria: ACMG Guidelines, 2015. Collection method: clinical testing. Allele origin: germline. Inheritance: Autosomal dominant inheritance. Observed: 1 variant allele, 1 heterozygote.
Comment: This missense variant replaces proline with glutamine at codon 129 of the WT1 protein. Computational prediction suggests that this variant may not impact protein structure and function. To our knowledge, functional studies have not been reported for this variant. This variant has not been reported in individuals affected with WT1-related disorders in the literature. This variant has not been identified in the general population by the Genome Aggregation Database (gnomAD). The available evidence is insufficient to determine the role of this variant in disease conclusively. Therefore, this variant is classified as a Variant of Uncertain Significance.

This study involves interpretation of variants in research participants for the purpose of population health screening. Participant phenotype was not available at the time of variant classification. Additional details can be found in publication PMID: 35346344, PMCID: PMC8962531

NM_024426.6(WT1):c.401C>A (p.Pro134Gln)

Genes: WT1 (WT1 transcription factor; minus strand), LOC107982234 (WT1/WT1-AS bi-directional promoter region; plus strand). Cytogenetic location: 11p13.
Variant type: single nucleotide variant.
Coding change: c.401C>A on transcript NM_024426.6 (MANE Select); coding-DNA position 401, C replaced by A.
Protein change: p.Pro134Gln; replaces proline 134 with glutamine.
Molecular consequence: missense variant. On other transcripts: non-coding transcript variant (2).
Genome position (GRCh38, 1-based): chr11:32,434,960, G>T on the plus strand (C>A on the coding strand, the complement: WT1 is on the minus strand). VCF-style: chr11-32434960-G-T. GRCh37 (hg19) VCF-style: chr11-32456506-G-T.
Other names: c.401C>A, p.Pro134Gln (NM_000378.6, NM_001407044.1, NM_001407045.1 and 6 more transcripts); c.182C>A, p.Pro61Gln (NM_001429031.1, NM_001429032.1, NM_001429033.1 and 1 more transcripts); c.386C>A, p.Pro129Gln (NM_024425.2); c.386C>A (NM_024426.4); short protein forms P129Q, P134Q, P61Q.
Identifiers: ClinVar variation 3075104 (VCV003075104.2), dbSNP rs748974419, ClinGen allele CA064889.
Genomic context (GRCh38, chr11:32,434,960, plus strand): 5'-GCGCCGCCCCAGCTCGGCTCCTGTTTGATGAAGGAGTGAGGCGGCGGCGGCGGGGGTGGC[G>T]GCGGAGCCGGTGGCGGCGCGGGGCCGCCCAACGACCCGTAAGCCGAAGCGCCCGGGGGCG-3'
Protein context (NP_077744.4, residues 124-144): LGGPAPPPAP[Pro134Gln]PPPPPPPHSF